The following is an entry in ClinVar:

ClinVar aggregate classification (germline): Uncertain significance (1 of 4 stars; one submission).

Allele frequency attached by ClinVar (database versions not stated): gnomAD exomes below 0.00001.
gnomAD v4.1: 4 of 1,614,146 alleles (0.00025%); highest among the groups gnomAD compares: African/African-American, 0.004%; no homozygotes.

Submission:

Labcorp Genetics (formerly Invitae), Labcorp
Classification: Uncertain significance. Last evaluated: 2021-08-13. Review status: criteria provided, single submitter. Criteria: Invitae Variant Classification Sherloc (09022015). Collection method: clinical testing. Allele origin: germline.
Comment: This variant is not present in population databases (ExAC no frequency). This sequence change replaces asparagine with tyrosine at codon 1715 of the ALPK3 protein (p.Asn1715Tyr). The asparagine residue is moderately conserved and there is a large physicochemical difference between asparagine and tyrosine. This variant has not been reported in the literature in individuals affected with ALPK3-related conditions. Algorithms developed to predict the effect of missense changes on protein structure and function (SIFT, PolyPhen-2, Align-GVGD) all suggest that this variant is likely to be disruptive. In summary, the available evidence is currently insufficient to determine the role of this variant in disease. Therefore, it has been classified as a Variant of Uncertain Significance.

NM_020778.5(ALPK3):c.4537A>T (p.Asn1513Tyr)

Gene: ALPK3 (alpha kinase 3; plus strand). Cytogenetic location: 15q25.3.
Variant type: single nucleotide variant.
Coding change: c.4537A>T on transcript NM_020778.5 (MANE Select); coding-DNA position 4537, A replaced by T.
Protein change: p.Asn1513Tyr; replaces asparagine 1513 with tyrosine.
Molecular consequence: missense variant.
Genome position (GRCh38, 1-based): chr15:84,864,479, A>T. VCF-style: chr15-84864479-A-T. GRCh37 (hg19) VCF-style: chr15-85407710-A-T.
Other names: short protein forms N1513Y.
Identifiers: ClinVar variation 1447414 (VCV001447414.6), dbSNP rs2141574002, ClinGen allele CA393364813.